The following is an entry in ClinVar:

NC_000006.11:g.(?_170151754)_(170151779_?)del

Gene: ERMARD (ER membrane associated RNA degradation; plus strand). Cytogenetic location: 6q27.
Variant type: Deletion.
Identifiers: ClinVar variation 1445960 (VCV001445960.5).

ClinVar aggregate classification (germline): Uncertain significance (1 of 4 stars; one submission).

Submission:

Labcorp Genetics (formerly Invitae), Labcorp
Classification: Uncertain significance. Last evaluated: 2022-11-15. Review status: criteria provided, single submitter. Criteria: Invitae Variant Classification Sherloc (09022015). Collection method: clinical testing. Allele origin: germline.
Comment: In summary, the available evidence is currently insufficient to determine the role of this variant in disease. Therefore, it has been classified as a Variant of Uncertain Significance. Experimental studies and prediction algorithms are not available or were not evaluated, and the functional significance of this variant is currently unknown. This variant has not been reported in the literature in individuals affected with ERMARD-related conditions. This variant is a gross deletion of the genomic region encompassing exon(s) 1 of the ERMARD gene, which includes the initiator codon. This deletion extends beyond the assayed region for this gene and therefore may encompass additional genes. It is expected to result in an absent or disrupted protein product. However, the current clinical and genetic evidence is not sufficient to establish whether loss-of-function variants in ERMARD cause disease.